The following is an entry in ClinVar:

ClinVar aggregate classification (germline): Uncertain significance. Review status: criteria provided, multiple submitters, no conflicts (2 of 4 stars). 2 submissions from 2 submitters: Uncertain significance (2). Last evaluated 2020-01-13.

Conditions:
Primary dilated cardiomyopathy (DCM). Also called: Dilated Cardiomyopathy. Identifiers: Orphanet 217604, MedGen C0007193, MeSH D002311, MONDO:0005021, HP:0001644. Inheritance: Various modes of inheritance.

Allele frequency attached by ClinVar (database versions not stated): gnomAD 0.00001; gnomAD exomes 0.00001; TOPMed 0.00001.
gnomAD v4.1: 20 of 1,613,592 alleles (0.0012%); highest among the groups gnomAD compares: Admixed American, 0.0033%; no homozygotes.

Submissions (2):

Labcorp Genetics (formerly Invitae), Labcorp
Classification: Uncertain significance for Primary dilated cardiomyopathy. Last evaluated: 2020-01-13. Review status: criteria provided, single submitter. Criteria: Invitae Variant Classification Sherloc (09022015). Collection method: clinical testing. Allele origin: germline.
Comment: The current clinical and genetic evidence is not sufficient to establish whether loss-of-function variants in NEBL cause disease. In summary, the available evidence is currently insufficient to determine the role of this variant in disease. Therefore, it has been classified as a Variant of Uncertain Significance. Nucleotide substitutions within the consensus splice site are a relatively common cause of aberrant splicing (PMID: 17576681, 9536098). Algorithms developed to predict the effect of sequence changes on RNA splicing suggest that this variant may disrupt the consensus splice site, but this prediction has not been confirmed by published transcriptional studies. Algorithms developed to predict the effect of missense changes on protein structure and function are either unavailable or do not agree on the potential impact of this missense change (SIFT: "Tolerated"; PolyPhen-2: "Possibly Damaging"; Align-GVGD: "Class C0"). This variant has not been reported in the literature in individuals with NEBL-related conditions. ClinVar contains an entry for this variant (Variation ID: 373630). This variant is not present in population databases (ExAC no frequency). This sequence change replaces alanine with proline at codon 921 of the NEBL protein (p.Ala921Pro). The alanine residue is highly conserved and there is a small physicochemical difference between alanine and proline. This variant also falls at the last nucleotide of exon 26 of the NEBL coding sequence, which is part of the consensus splice site for this exon.

GeneDx
Classification: Uncertain significance. Last evaluated: 2016-11-28. Review status: criteria provided, single submitter. Criteria: GeneDx Variant Classification (06012015). Collection method: clinical testing. Allele origin: germline. Affected: yes.
Comment: A variant of uncertain significance has been identified in the NEBL gene. The A921P variant has not been published as a pathogenic variant, nor has it been reported as a benign variant to our knowledge. This variant was not observed in approximately 6,500 individuals of European and African American ancestry in the NHLBI Exome Sequencing Project, indicating it is not a common benign variant in these populations. The A921P variant is a semi-conservative amino acid substitution, which may impact secondary protein structure as these residues differ in some properties. This substitution occurs at a position that is conserved across species and in silico analysis suggests that this variant is probably damaging to the protein structure/function. Additionally, several in silico splice prediction algorithms predict that this variant destroys the natural splice donor site at intron 26 and may lead to abnormal gene splicing.However, based on the currently available information, it is unclear whether this variant is pathogenic or rare benign.

Literature cited by the submitters: PubMed 17576681 (cited by Labcorp Genetics (formerly Invitae), Labcorp); PubMed 9536098 (cited by Labcorp Genetics (formerly Invitae), Labcorp).

NM_006393.3(NEBL):c.2761G>C (p.Ala921Pro)

Gene: NEBL (nebulette; minus strand). Cytogenetic location: 10p12.31.
Variant type: single nucleotide variant.
Coding change: c.2761G>C on transcript NM_006393.3 (MANE Select); coding-DNA position 2761, G replaced by C.
Protein change: p.Ala921Pro; replaces alanine 921 with proline.
Molecular consequence: missense variant. On other transcripts: intron variant (9).
Genome position (GRCh38, 1-based): chr10:20,808,510, C>G on the plus strand (G>C on the coding strand, the complement: NEBL is on the minus strand). VCF-style: chr10-20808510-C-G. GRCh37 (hg19) VCF-style: chr10-21097439-C-G.
Other names: c.421+4259G>C (NM_001377326.1, NM_001377327.1, NM_001377328.1); c.529+4259G>C (NM_213569.2, NM_001173484.2); c.622+1296G>C (NM_001377322.1); c.472+4259G>C (NM_001377324.1); c.463+4259G>C (NM_001377325.1); c.481+4259G>C (NM_001377323.1); short protein forms A921P.
Identifiers: ClinVar variation 373630 (VCV000373630.10), dbSNP rs1057518516, ClinGen allele CA16042796.